The following continues an entry in ClinVar:

NM_000275.3(OCA2):c.1103C>T (p.Ala368Val)

Gene: OCA2. ClinVar aggregate classification (germline): Conflicting classifications of pathogenicity. Pathogenic (7); Likely pathogenic (10); Uncertain significance (2).

Submissions 12 to 19 of 19:

Baylor Genetics
Classification: Pathogenic for SKIN/HAIR/EYE PIGMENTATION 1, BLUE/NONBLUE EYES. Last evaluated: 2024-03-12. Review status: criteria provided, single submitter. Criteria: ACMG Guidelines, 2015. Collection method: clinical testing. Allele origin: unknown.

Greenwood Genetic Center Diagnostic Laboratories, Greenwood Genetic Center
Classification: Likely pathogenic for Tyrosinase-positive oculocutaneous albinism. Last evaluated: 2024-01-30. Review status: criteria provided, single submitter. Criteria: ACMG Guidelines, 2015. Collection method: clinical testing. Allele origin: germline. Affected: yes.
Comment: PM3_Strong, PP3, PM1

Blueprint Genetics
Classification: Pathogenic for OCA2-related disorders. Last evaluated: 2023-08-07. Review status: criteria provided, single submitter. Criteria: ACMG Guidelines, 2015. Collection method: clinical testing. Allele origin: germline. Affected: yes. Observed: 5 variant alleles.

Johns Hopkins Genomics, Johns Hopkins University
Classification: Likely pathogenic for Tyrosinase-positive oculocutaneous albinism. Last evaluated: 2022-07-15. Review status: criteria provided, single submitter. Criteria: ACMG Guidelines, 2015. Collection method: clinical testing. Allele origin: germline.
Comment: This OCA2 variant (rs61745150) has been identified in a large population dataset and the minor allele frequency is neither low enough to consider the variant rare (<0.1%) nor high enough to consider it a population polymorphism (>1%) within the African/African American subpopulation (gnomAD: 70/24946 alleles; 0.28%, no homozygotes). This variant has been reported to ClinVar. It has been identified on the opposite chromosome from a pathogenic variant in unrelated individuals with OCA, type II. Two bioinformatic tools queried predict that this substitution (p.Ala368Val) would be damaging, and the alanine residue at this position is strongly evolutionarily conserved across the vertebrate species assessed. Bioinformatic analysis predicts that this missense variant would not affect normal exon 10 splicing, although this has not been confirmed experimentally to our knowledge. We consider c.1103C>T to be likely pathogenic.

Genome-Nilou Lab
Classification: Likely pathogenic for Tyrosinase-positive oculocutaneous albinism. Last evaluated: 2021-11-07. Review status: criteria provided, single submitter. Criteria: ACMG Guidelines, 2015. Collection method: clinical testing. Allele origin: germline. Affected: no.

CeGaT Center for Human Genetics Tuebingen
Classification: Uncertain significance. Last evaluated: 2019-10-01. Review status: criteria provided, single submitter. Criteria: CeGaT Center For Human Genetics Tuebingen Variant Classification Criteria Version 2. Collection method: clinical testing. Allele origin: germline. Affected: yes. Observed: 1 variant allele.

Eurofins Ntd Llc (ga)
Classification: Uncertain significance. Last evaluated: 2014-08-18. Review status: criteria provided, single submitter. Criteria: EGL Classification Definitions 2015. Collection method: clinical testing. Allele origin: germline. Observed: 4 variant alleles, 4 heterozygotes.

Laboratoire de Génétique Moléculaire, CHU Bordeaux
Classification: Likely pathogenic for Tyrosinase-positive oculocutaneous albinism. Review status: criteria provided, single submitter. Criteria: ACMG Guidelines, 2015. Collection method: clinical testing. Allele origin: germline. Affected: yes.

Literature cited by the submitters: PubMed 28451379 (cited by 5 submitters); PubMed 28266639 (cited by Variantyx, Inc.); PubMed 27734839 (cited by Variantyx, Inc.); PubMed 34838614 (cited by Variantyx, Inc.); PubMed 31199599 (cited by Variantyx, Inc.); PubMed 32830442 (cited by 3 submitters); PubMed 37650133 (cited by 3 submitters); PubMed 38219857 (cited by Variantyx, Inc.); PubMed 10671067 (cited by Women's Health and Genetics/Laboratory Corporation of America, LabCorp and Eurofins Ntd Llc (ga)); PubMed 26474496 (cited by Women's Health and Genetics/Laboratory Corporation of America, LabCorp).